The following is an entry in ClinVar:

ClinVar aggregate classification (germline): Uncertain significance (1 of 4 stars; one submission).

Conditions:
Autoimmune enteropathy and endocrinopathy - susceptibility to chronic infections syndrome. Also called: Immunodeficiency 31C; Immunodeficiency 31C, autosomal dominant. Identifiers: Orphanet 391487, MedGen C3279990, MONDO:0013599, OMIM 614162.
Immunodeficiency 31B. Also called: STAT1 DEFICIENCY, AUTOSOMAL RECESSIVE; IMMUNODEFICIENCY 31B, MYCOBACTERIAL AND VIRAL INFECTIONS, AUTOSOMAL RECESSIVE. Identifiers: Orphanet 391311, MedGen C3151088, MONDO:0013427, OMIM 613796.
Mendelian susceptibility to mycobacterial diseases due to partial STAT1 deficiency. Also called: IMMUNODEFICIENCY 31A, MYCOBACTERIOSIS, AUTOSOMAL DOMINANT; STAT1 DEFICIENCY, AUTOSOMAL DOMINANT; Immunodeficiency 31a. Identifiers: Orphanet 319595, MedGen C4013950, MONDO:0013956, OMIM 614892.

Allele frequency attached by ClinVar (database versions not stated): gnomAD exomes 0.00001; TOPMed 0.00001; gnomAD 0.00001.
gnomAD v4.1: 9 of 1,506,440 alleles (0.0006%); highest among the groups gnomAD compares: Non-Finnish European, 0.00082%; no homozygotes.

Submission:

Labcorp Genetics (formerly Invitae), Labcorp
Classification: Uncertain significance for Mendelian susceptibility to mycobacterial diseases due to partial STAT1 deficiency; Immunodeficiency 31B; Autoimmune enteropathy and endocrinopathy - susceptibility to chronic infections syndrome. Last evaluated: 2026-01-19. Review status: criteria provided, single submitter. Criteria: Invitae Variant Classification Sherloc (09022015). Collection method: clinical testing. Allele origin: germline.
Comment: This sequence change falls in intron 12 of the STAT1 gene. It does not directly change the encoded amino acid sequence of the STAT1 protein. It affects a nucleotide within the consensus splice site. This variant is not present in population databases (gnomAD no frequency). This variant has not been reported in the literature in individuals affected with STAT1-related conditions. ClinVar contains an entry for this variant (Variation ID: 1399543). Variants that disrupt the consensus splice site are a relatively common cause of aberrant splicing (PMID: 17576681, 9536098). Algorithms developed to predict the effect of sequence changes on RNA splicing suggest that this variant may disrupt the consensus splice site. In summary, the available evidence is currently insufficient to determine the role of this variant in disease. Therefore, it has been classified as a Variant of Uncertain Significance.

Literature cited by the submitters: PubMed 17576681; PubMed 9536098.

NM_007315.4(STAT1):c.1097+3A>G

Gene: STAT1 (signal transducer and activator of transcription 1; minus strand). Cytogenetic location: 2q32.2.
Variant type: single nucleotide variant.
Coding change: c.1097+3A>G on transcript NM_007315.4 (MANE Select); 3 bases into the intron after coding-DNA position 1097, A replaced by G.
Molecular consequence: intron variant.
Genome position (GRCh38, 1-based): chr2:190,989,612, T>C on the plus strand (A>G on the coding strand, the complement: STAT1 is on the minus strand). VCF-style: chr2-190989612-T-C. GRCh37 (hg19) VCF-style: chr2-191854338-T-C.
Other names: c.1007+3A>G (NM_001384890.1); c.998+3A>G (NM_001384883.1); c.938+3A>G (NM_001384885.1); c.1004+3A>G (NM_001384887.1); c.1037+1616A>G (NM_001384880.1); c.1097+3A>G (NM_001384888.1, NM_001384882.1, NM_001384889.1 and 2 more transcripts); c.1133+3A>G (NM_001384891.1); c.1103+3A>G (NM_001384884.1, NM_001384881.1).
Identifiers: ClinVar variation 1399543 (VCV001399543.6), dbSNP rs1225283533, ClinGen allele CA762410566.
Genomic context (GRCh38, chr2:190,989,612, plus strand): 5'-TTGAGTAACAAAATCAACATTTCAATAGTACATGTATGTTATATAATGTTAAAGATATCT[T>C]ACTTATCAAATAAGACTTTGACTTTCAAATTATAATTCAGCTCTTGCAATTTCACCAACA-3'